The following is an entry in ClinVar:

NM_000548.5(TSC2):c.1696G>A (p.Gly566Arg)

Gene: TSC2 (TSC complex subunit 2; plus strand). Cytogenetic location: 16p13.3.
Variant type: single nucleotide variant.
Coding change: c.1696G>A on transcript NM_000548.5 (MANE Select); coding-DNA position 1696, G replaced by A.
Protein change: p.Gly566Arg; replaces glycine 566 with arginine.
Molecular consequence: missense variant.
Genome position (GRCh38, 1-based): chr16:2,065,615, G>A. VCF-style: chr16-2065615-G-A. GRCh37 (hg19) VCF-style: chr16-2115616-G-A.
Other names: c.1696G>A, p.Gly566Arg (NM_001077183.3, NM_001114382.3, NM_001363528.2 and 3 more transcripts); c.1585G>A, p.Gly529Arg (NM_001318827.2); c.1549G>A, p.Gly517Arg (NM_001318829.2); c.1096G>A, p.Gly366Arg (NM_001318831.2); c.1729G>A, p.Gly577Arg (NM_001318832.2); short protein forms G517R, G566R, G366R, G529R, G577R.
Identifiers: ClinVar variation 647810 (VCV000647810.8), dbSNP rs1596317594, ClinGen allele CA394270622.

ClinVar aggregate classification (germline): Uncertain significance (1 of 4 stars; one submission).

Conditions:
Tuberous sclerosis 2 (TSC2). Identifiers: Orphanet 805, MedGen C1860707, MONDO:0013199, OMIM 613254.

Submission:

Labcorp Genetics (formerly Invitae), Labcorp
Classification: Uncertain significance for Tuberous sclerosis 2. Last evaluated: 2023-09-30. Review status: criteria provided, single submitter. Criteria: Invitae Variant Classification Sherloc (09022015). Collection method: clinical testing. Allele origin: germline.
Comment: This sequence change replaces glycine, which is neutral and non-polar, with arginine, which is basic and polar, at codon 566 of the TSC2 protein (p.Gly566Arg). This variant is not present in population databases (gnomAD no frequency). This variant has not been reported in the literature in individuals affected with TSC2-related conditions. ClinVar contains an entry for this variant (Variation ID: 647810). Advanced modeling of protein sequence and biophysical properties (such as structural, functional, and spatial information, amino acid conservation, physicochemical variation, residue mobility, and thermodynamic stability) has been performed at Invitae for this missense variant, however the output from this modeling did not meet the statistical confidence thresholds required to predict the impact of this variant on TSC2 protein function. In summary, the available evidence is currently insufficient to determine the role of this variant in disease. Therefore, it has been classified as a Variant of Uncertain Significance.